The following is an entry in ClinVar:

ClinVar aggregate classification (germline): Uncertain significance. Review status: criteria provided, multiple submitters, no conflicts (2 of 4 stars). 2 submissions from 2 submitters: Uncertain significance (2). Last evaluated 2025-11-13.

Conditions:
Inborn genetic diseases. Identifiers: MedGen C0950123, MeSH D030342.

Allele frequency attached by ClinVar (database versions not stated): TOPMed below 0.00001; gnomAD 0.00001; gnomAD exomes 0.00002.
gnomAD v4.1: 30 of 1,610,718 alleles (0.0019%); highest among the groups gnomAD compares: Non-Finnish European, 0.0025%; no homozygotes.

Submissions (2):

Ambry Genetics
Classification: Uncertain significance for Inborn genetic diseases. Last evaluated: 2025-11-13. Review status: criteria provided, single submitter. Criteria: Ambry Variant Classification Scheme 2023. Collection method: clinical testing. Allele origin: germline.

Labcorp Genetics (formerly Invitae), Labcorp
Classification: Uncertain significance. Last evaluated: 2025-03-10. Review status: criteria provided, single submitter. Criteria: Invitae Variant Classification Sherloc (09022015). Collection method: clinical testing. Allele origin: germline.
Comment: This sequence change replaces tyrosine, which is neutral and polar, with histidine, which is basic and polar, at codon 228 of the PLAA protein (p.Tyr228His). This variant is present in population databases (no rsID available, gnomAD 0.002%). This variant has not been reported in the literature in individuals affected with PLAA-related conditions. ClinVar contains an entry for this variant (Variation ID: 1923818). Invitae Evidence Modeling of protein sequence and biophysical properties (such as structural, functional, and spatial information, amino acid conservation, physicochemical variation, residue mobility, and thermodynamic stability) indicates that this missense variant is not expected to disrupt PLAA protein function with a negative predictive value of 80%. In summary, the available evidence is currently insufficient to determine the role of this variant in disease. Therefore, it has been classified as a Variant of Uncertain Significance.

NM_001031689.3(PLAA):c.682T>C (p.Tyr228His)

Gene: PLAA (phospholipase A2 activating protein; minus strand). Cytogenetic location: 9p21.2.
Variant type: single nucleotide variant.
Coding change: c.682T>C on transcript NM_001031689.3 (MANE Select); coding-DNA position 682, T replaced by C.
Protein change: p.Tyr228His; replaces tyrosine 228 with histidine.
Molecular consequence: missense variant.
Genome position (GRCh38, 1-based): chr9:26,926,444, A>G on the plus strand (T>C on the coding strand, the complement: PLAA is on the minus strand). VCF-style: chr9-26926444-A-G. GRCh37 (hg19) VCF-style: chr9-26926442-A-G.
Other names: c.682T>C (NM_001031689.2); c.682T>C, p.Tyr228His (NM_001321546.2); short protein forms Y228H.
Identifiers: ClinVar variation 1923818 (VCV001923818.4), dbSNP rs1336797898, ClinGen allele CA373133542.